The following is an entry in ClinVar:

ClinVar aggregate classification (germline): Uncertain significance (1 of 4 stars; one submission).

Conditions:
CHARGE syndrome (CHARGE). Also called: Hittner Hirsch Kreh syndrome; CHARGE ASSOCIATION--COLOBOMA, HEART ANOMALY, CHOANAL ATRESIA, RETARDATION, GENITAL AND EAR ANOMALIES; Coloboma, heart anomaly, choanal atresia, retardation, genital and ear anomalies; CHARGE association; Hall-Hittner syndrome. Identifiers: Orphanet 138, MedGen C0265354, MONDO:0008965.

Submission:

Labcorp Genetics (formerly Invitae), Labcorp
Classification: Uncertain significance for CHARGE syndrome. Last evaluated: 2024-07-22. Review status: criteria provided, single submitter. Criteria: Invitae Variant Classification Sherloc (09022015). Collection method: clinical testing. Allele origin: germline.
Comment: This sequence change replaces threonine, which is neutral and polar, with asparagine, which is neutral and polar, at codon 1380 of the CHD7 protein (p.Thr1380Asn). This variant is not present in population databases (gnomAD no frequency). This variant has not been reported in the literature in individuals affected with CHD7-related conditions. Advanced modeling of protein sequence and biophysical properties (such as structural, functional, and spatial information, amino acid conservation, physicochemical variation, residue mobility, and thermodynamic stability) performed at Invitae indicates that this missense variant is expected to disrupt CHD7 protein function with a positive predictive value of 95%. In summary, the available evidence is currently insufficient to determine the role of this variant in disease. Therefore, it has been classified as a Variant of Uncertain Significance.

NM_017780.4(CHD7):c.4139C>A (p.Thr1380Asn)

Gene: CHD7 (chromodomain helicase DNA binding protein 7; plus strand). Cytogenetic location: 8q12.2.
Variant type: single nucleotide variant.
Coding change: c.4139C>A on transcript NM_017780.4 (MANE Select); coding-DNA position 4139, C replaced by A.
Protein change: p.Thr1380Asn; replaces threonine 1380 with asparagine.
Molecular consequence: missense variant. On other transcripts: intron variant (1).
Genome position (GRCh38, 1-based): chr8:60,836,966, C>A. VCF-style: chr8-60836966-C-A. GRCh37 (hg19) VCF-style: chr8-61749525-C-A.
Other names: c.1717-25263C>A (NM_001316690.1); short protein forms T1380N.
Identifiers: ClinVar variation 2698682 (VCV002698682.3), dbSNP rs763364392, ClinGen allele CA371316928.